The following is an entry in ClinVar:

ClinVar aggregate classification (germline): Benign. Review status: criteria provided, multiple submitters, no conflicts (2 of 4 stars). 4 submissions from 4 submitters: Benign (4). Last evaluated 2026-02-01.

Conditions:
Congenital stationary night blindness 1C. Also called: Night blindness, congenital stationary (complete), 1C, autosomal recessive. Identifiers: Orphanet 215, MedGen C2750747, MONDO:0013183, OMIM 613216.

Allele frequency attached by ClinVar (database versions not stated): ESP Exome Variant Server 0.00114; gnomAD exomes 0.00313 and 0.00876; gnomAD 0.00537 and 0.00540; ExAC 0.00634; TOPMed 0.00785; 1000 Genomes Project 0.00899; 1000 Genomes Project 30x 0.00968.
gnomAD v4.1: 5,403 of 1,614,230 alleles (0.33%); highest among the groups gnomAD compares: Admixed American, 4.9%; 94 homozygotes.

Submissions (4):

Labcorp Genetics (formerly Invitae), Labcorp
Classification: Benign. Last evaluated: 2026-02-01. Review status: criteria provided, single submitter. Criteria: Invitae Variant Classification Sherloc (09022015). Collection method: clinical testing. Allele origin: germline.

GeneDx
Classification: Benign. Last evaluated: 2021-05-22. Review status: criteria provided, single submitter. Criteria: GeneDx Variant Classification Process June 2021. Collection method: clinical testing. Allele origin: germline. Affected: yes.

Illumina Laboratory Services, Illumina
Classification: Benign for Congenital stationary night blindness 1C. Last evaluated: 2018-01-12. Review status: criteria provided, single submitter. Criteria: ICSL Variant Classification Criteria 13 December 2019. Collection method: clinical testing. Allele origin: germline.
Comment: This variant was observed in the ICSL laboratory as part of a predisposition screen in an ostensibly healthy population. It had not been previously curated by ICSL or reported in the Human Gene Mutation Database (HGMD: prior to June 1st, 2018), and was therefore a candidate for classification through an automated scoring system. Utilizing variant allele frequency, disease prevalence and penetrance estimates, and inheritance mode, an automated score was calculated to assess if this variant is too frequent to cause the disease. Based on the score and internal cut-off values, a variant classified as benign is not then subjected to further curation. The score for this variant resulted in a classification of benign for this disease.

Breakthrough Genomics
Classification: Benign. Review status: criteria provided, single submitter. Criteria: ACMG Guidelines, 2015. Collection method: not provided. Allele origin: germline. Inheritance: Unknown mechanism. Affected: yes.

NM_001252024.2(TRPM1):c.1764+9C>G

Gene: TRPM1 (transient receptor potential cation channel subfamily M member 1; minus strand). Cytogenetic location: 15q13.3.
Variant type: single nucleotide variant.
Coding change: c.1764+9C>G on transcript NM_001252024.2 (MANE Select); 9 bases into the intron after coding-DNA position 1764, C replaced by G.
Molecular consequence: intron variant.
Genome position (GRCh38, 1-based): chr15:31,047,102, G>C on the plus strand (C>G on the coding strand, the complement: TRPM1 is on the minus strand). VCF-style: chr15-31047102-G-C. GRCh37 (hg19) VCF-style: chr15-31339305-G-C.
Other names: c.1815+9C>G (NM_001252020.2); c.1698+9C>G (NM_002420.6).
Identifiers: ClinVar variation 315522 (VCV000315522.18), dbSNP rs147073624, ClinGen allele CA7452451.